The following is an entry in ClinVar:

NM_014714.4(IFT140):c.3646G>A (p.Gly1216Ser)

Gene: IFT140 (intraflagellar transport 140; minus strand). Cytogenetic location: 16p13.3.
Variant type: single nucleotide variant.
Coding change: c.3646G>A on transcript NM_014714.4 (MANE Select); coding-DNA position 3646, G replaced by A.
Protein change: p.Gly1216Ser; replaces glycine 1216 with serine.
Molecular consequence: missense variant.
Genome position (GRCh38, 1-based): chr16:1,520,616, C>T on the plus strand (G>A on the coding strand, the complement: IFT140 is on the minus strand). VCF-style: chr16-1520616-C-T. GRCh37 (hg19) VCF-style: chr16-1570617-C-T.
Other names: short protein forms G1216S.
Identifiers: ClinVar variation 2547182 (VCV002547182.4), dbSNP rs754891717, ClinGen allele CA7813091.

ClinVar aggregate classification (germline): Uncertain significance. Review status: criteria provided, multiple submitters, no conflicts (2 of 4 stars). 3 submissions from 3 submitters: Uncertain significance (3). Last evaluated 2026-01-18.

Conditions:
Retinal dystrophy. Also called: Inherited retinal dystrophy. Identifiers: Orphanet 71862, MedGen C0854723, MeSH D058499, MONDO:0019118, HP:0000556.
Saldino-Mainzer syndrome (SRTD9). Also called: short-rib thoracic dysplasia 9 with or without polydactyly; CONORENAL SYNDROME; Renal dysplasia, retinal pigmentary dystrophy, cerebellar ataxia and skeletal dysplasia; SHORT-RIB THORACIC DYSPLASIA 9 WITHOUT POLYDACTYLY. Identifiers: Orphanet 140969, MedGen C1849437, MONDO:0009964, OMIM 266920.
Inborn genetic diseases. Identifiers: MedGen C0950123, MeSH D030342.

Allele frequency attached by ClinVar (database versions not stated): gnomAD exomes below 0.00001; TOPMed 0.00001; gnomAD 0.00002; ExAC 0.00005.
gnomAD v4.1: 8 of 1,586,602 alleles (0.0005%); highest among the groups gnomAD compares: Non-Finnish European, 0.00069%; no homozygotes.

Submissions (3):

Labcorp Genetics (formerly Invitae), Labcorp
Classification: Uncertain significance for Saldino-Mainzer syndrome. Last evaluated: 2026-01-18. Review status: criteria provided, single submitter. Criteria: Invitae Variant Classification Sherloc (09022015). Collection method: clinical testing. Allele origin: germline.
Comment: This sequence change replaces glycine, which is neutral and non-polar, with serine, which is neutral and polar, at codon 1216 of the IFT140 protein (p.Gly1216Ser). The frequency data for this variant in the population databases is considered unreliable, as metrics indicate poor data quality at this position in the gnomAD database. This variant has not been reported in the literature in individuals affected with IFT140-related conditions. ClinVar contains an entry for this variant (Variation ID: 2547182). Invitae Evidence Modeling of protein sequence and biophysical properties (such as structural, functional, and spatial information, amino acid conservation, physicochemical variation, residue mobility, and thermodynamic stability) has been performed for this missense variant. However, the output from this modeling did not meet the statistical confidence thresholds required to predict the impact of this variant on IFT140 protein function. In summary, the available evidence is currently insufficient to determine the role of this variant in disease. Therefore, it has been classified as a Variant of Uncertain Significance.

Dept Of Ophthalmology, Nagoya University
Classification: Uncertain significance for Retinal dystrophy. Last evaluated: 2023-10-01. Review status: criteria provided, single submitter. Criteria: Submitter's publication. Collection method: research. Allele origin: germline. Affected: yes.

Ambry Genetics
Classification: Uncertain significance for Inborn genetic diseases. Last evaluated: 2023-05-17. Review status: criteria provided, single submitter. Criteria: Ambry Variant Classification Scheme 2023. Collection method: clinical testing. Allele origin: germline.